The following is an entry in ClinVar:

ClinVar aggregate classification (germline): Uncertain significance (1 of 4 stars; one submission).

Allele frequency attached by ClinVar (database versions not stated): gnomAD exomes below 0.00001; ExAC 0.00001.
gnomAD v4.1: 3 of 1,614,112 alleles (0.00019%); highest among the groups gnomAD compares: Non-Finnish European, 0.00025%; no homozygotes.

Submission:

Labcorp Genetics (formerly Invitae), Labcorp
Classification: Uncertain significance. Last evaluated: 2024-10-16. Review status: criteria provided, single submitter. Criteria: Invitae Variant Classification Sherloc (09022015). Collection method: clinical testing. Allele origin: germline.
Comment: This sequence change replaces glycine, which is neutral and non-polar, with alanine, which is neutral and non-polar, at codon 130 of the NR0B2 protein (p.Gly130Ala). This variant is present in population databases (rs773062003, gnomAD 0.0009%). This variant has not been reported in the literature in individuals affected with NR0B2-related conditions. An algorithm developed to predict the effect of missense changes on protein structure and function outputs the following: PolyPhen-2: "Benign". The alanine amino acid residue is found in multiple mammalian species, which suggests that this missense change does not adversely affect protein function. In summary, the available evidence is currently insufficient to determine the role of this variant in disease. Therefore, it has been classified as a Variant of Uncertain Significance.

NM_021969.3(NR0B2):c.389G>C (p.Gly130Ala)

Genes: NR0B2 (nuclear receptor subfamily 0 group B member 2; minus strand), NUDC (nuclear distribution C, dynein complex regulator; plus strand). Cytogenetic location: 1p36.11.
Variant type: single nucleotide variant.
Coding change: c.389G>C on transcript NM_021969.3 (MANE Select); coding-DNA position 389, G replaced by C.
Protein change: p.Gly130Ala; replaces glycine 130 with alanine.
Molecular consequence: missense variant.
Genome position (GRCh38, 1-based): chr1:26,913,552, C>G on the plus strand (G>C on the coding strand, the complement: NR0B2 is on the minus strand). VCF-style: chr1-26913552-C-G. GRCh37 (hg19) VCF-style: chr1-27240043-C-G.
Other names: short protein forms G130A.
Identifiers: ClinVar variation 2803058 (VCV002803058.3), dbSNP rs773062003, ClinGen allele CA709657.
Genomic context (GRCh38, chr1:26,913,552, plus strand): 5'-TGAAGCCACTGCACCGCAGCCAGGGAGGGCTGGGGTCTGTCTGGCAGTTGGCCACTGCCT[C>G]CACTGCTGCTGGGCTCCTCCAGCAGAATCTTCTTGAGTATGCTGGGCACCGGGGCCTCAG-3'
Protein context (NP_068804.1, residues 120-140): KILLEEPSSS[Gly130Ala]GSGQLPDRPQ